The following is an entry in ClinVar:

NM_000392.5(ABCC2):c.495C>A (p.Ser165=)

Gene: ABCC2 (ATP binding cassette subfamily C member 2; plus strand). Cytogenetic location: 10q24.2.
Variant type: single nucleotide variant.
Coding change: c.495C>A on transcript NM_000392.5 (MANE Select); coding-DNA position 495, C replaced by A.
Protein change: p.Ser165=; no amino-acid change (serine 165 retained).
Molecular consequence: synonymous variant.
Genome position (GRCh38, 1-based): chr10:99,793,918, C>A. VCF-style: chr10-99793918-C-A. GRCh37 (hg19) VCF-style: chr10-101553675-C-A.
Other names: c.495C>A (NM_000392.4).
Identifiers: ClinVar variation 4909128 (VCV004909128.2).

ClinVar aggregate classification (germline): Likely benign. Review status: criteria provided, multiple submitters, no conflicts (2 of 4 stars). 2 submissions from 2 submitters: Likely benign (2). Last evaluated 2025-05-08.

Conditions:
ABCC2-related disorder. Also called: ABCC2-related condition.

Submissions (2):

PreventionGenetics, part of Exact Sciences
Classification: Likely benign for ABCC2-related condition. Last evaluated: 2025-05-08. Review status: criteria provided, single submitter. Criteria: ACMG Guidelines, 2015. Collection method: clinical testing. Allele origin: germline.
Comment: This variant is classified as likely benign based on ACMG/AMP sequence variant interpretation guidelines (Richards et al. 2015 PMID: 25741868, with internal and published modifications).

Blueprint Genetics
Classification: Likely benign. Last evaluated: 2022-05-13. Review status: criteria provided, single submitter. Criteria: ACMG Guidelines, 2015. Collection method: clinical testing. Allele origin: germline.